The following is an entry in ClinVar:

ClinVar aggregate classification (germline): Conflicting classifications of pathogenicity. Review status: criteria provided, conflicting classifications (1 of 4 stars). 5 submissions from 5 submitters: Uncertain significance (3); Likely benign (1). 1 of the submissions does not count toward it. Last evaluated 2026-01-31.

Conditions:
Nemaline myopathy 2 (NEM2). Also called: Nemaline myopathy 2, autosomal recessive. Identifiers: MedGen C1850569, MONDO:0009725, OMIM 256030.

Allele frequency attached by ClinVar (database versions not stated): gnomAD exomes 0.00008 and 0.00013; ExAC 0.00009; TOPMed 0.00010; gnomAD 0.00012 and 0.00013.
gnomAD v4.1: 209 of 1,587,152 alleles (0.013%); highest among the groups gnomAD compares: Non-Finnish European, 0.016%; no homozygotes.

Submissions (5):

Labcorp Genetics (formerly Invitae), Labcorp
Classification: Likely benign for Nemaline myopathy 2. Last evaluated: 2026-01-31. Review status: criteria provided, single submitter. Criteria: Invitae Variant Classification Sherloc (09022015). Collection method: clinical testing. Allele origin: germline.

Blueprint Genetics
Classification: Uncertain significance. Last evaluated: 2024-09-15. Review status: criteria provided, single submitter. Criteria: ACMG Guidelines, 2015. Collection method: clinical testing. Allele origin: germline.

Revvity Omics, Revvity
Classification: Uncertain significance. Last evaluated: 2023-05-25. Review status: criteria provided, single submitter. Criteria: ACMG Guidelines, 2015. Collection method: clinical testing. Allele origin: germline.

GeneDx
Classification: Uncertain significance. Last evaluated: 2022-12-29. Review status: criteria provided, single submitter. Criteria: GeneDx Variant Classification Process June 2021. Collection method: clinical testing. Allele origin: germline. Affected: yes.
Comment: Not observed at significant frequency in large population cohorts (gnomAD); In silico analysis supports that this missense variant does not alter protein structure/function; Has not been previously published as pathogenic or benign to our knowledge

Department of Pathology and Laboratory Medicine, Sinai Health System
Classification: Uncertain significance. Review status: no assertion criteria provided. Collection method: clinical testing. Allele origin: unknown. Affected: yes. Study: The Canadian Open Genetics Repository (COGR). Not counted in ClinVar's aggregate classification.
Comment: The NEB p.Ser2164Asn variant was not identified in the literature nor was it found in ClinVar or LOVD 3.0. The variant was identified in dbSNP (ID: rs780626863) and in control databases in 20 of 260708 chromosomes at a frequency of 0.00007671 (Genome Aggregation Database March 6, 2019, v2.1.1). The variant was observed in the following populations: Other in 1 of 6594 chromosomes (freq: 0.000152), European (non-Finnish) in 16 of 120198 chromosomes (freq: 0.000133) and Latino in 3 of 34144 chromosomes (freq: 0.000088), but was not observed in the African, Ashkenazi Jewish, East Asian, European (Finnish), or South Asian populations. The p.Ser2164 residue is conserved across mammals and other organisms however computational analyses (PolyPhen-2, SIFT, AlignGVGD, BLOSUM, MutationTaster) provide inconsistent predictions regarding the impact to the protein. The variant occurs outside of the splicing consensus sequence and three of four in silico or computational prediction software programs (SpliceSiteFinder, MaxEntScan, NNSPLICE, GeneSplicer) do not predict a difference in splicing. In summary, based on the above information the clinical significance of this variant cannot be determined with certainty at this time. This variant is classified as a variant of uncertain significance.

NM_001164508.2(NEB):c.6491G>A (p.Ser2164Asn)

Gene: NEB (nebulin; minus strand). Cytogenetic location: 2q23.3.
Variant type: single nucleotide variant.
Coding change: c.6491G>A on transcript NM_001164508.2 (MANE Select); coding-DNA position 6491, G replaced by A.
Protein change: p.Ser2164Asn; replaces serine 2164 with asparagine.
Molecular consequence: missense variant.
Genome position (GRCh38, 1-based): chr2:151,656,157, C>T on the plus strand (G>A on the coding strand, the complement: NEB is on the minus strand). VCF-style: chr2-151656157-C-T. GRCh37 (hg19) VCF-style: chr2-152512671-C-T.
Other names: c.6491G>A (NM_001271208.1); c.6491G>A, p.Ser2164Asn (NM_001164507.2, NM_001271208.2, NM_004543.5); short protein forms S2164N.
Identifiers: ClinVar variation 1049869 (VCV001049869.10), dbSNP rs780626863, ClinGen allele CA1910089.
Genomic context (GRCh38, chr2:151,656,157, plus strand): 5'-GATCTCCCTTCCCATGCTAGGATTCCAACCATCACCCAAGTAGAAGAAAGCCTTACATCA[C>T]TCTGTATGCGATTCATATTCCTGGTCAGCTCAATGTTCATTGCATCTGGAAGGAGGATGT-3'
Protein context (NP_001157980.2, residues 2154-2174): ELTRNMNRIQ[Ser2164Asn]DNEYKQDYNE